The following is an entry in ClinVar:

NM_023110.3(FGFR1):c.1168A>G (p.Met390Val)

Gene: FGFR1 (fibroblast growth factor receptor 1; minus strand). Cytogenetic location: 8p11.23.
Variant type: single nucleotide variant.
Coding change: c.1168A>G on transcript NM_023110.3 (MANE Select); coding-DNA position 1168, A replaced by G.
Protein change: p.Met390Val; replaces methionine 390 with valine.
Molecular consequence: missense variant.
Genome position (GRCh38, 1-based): chr8:38,419,649, T>C on the plus strand (A>G on the coding strand, the complement: FGFR1 is on the minus strand). VCF-style: chr8-38419649-T-C. GRCh37 (hg19) VCF-style: chr8-38277167-T-C.
Other names: c.1168A>G (NM_023110.2); c.1168A>G, p.Met390Val (NM_001174063.2); c.1144A>G, p.Met382Val (NM_001174064.2); c.1162A>G, p.Met388Val (NM_001174065.2, NM_001354367.2, NM_001354369.2 and 1 more transcripts); c.901A>G, p.Met301Val (NM_001174066.2, NM_023105.3); c.1261A>G, p.Met421Val (NM_001174067.2); c.895A>G, p.Met299Val (NM_001354368.2, NM_001354370.2, NM_023106.3); short protein forms M301V, M390V, M388V, M299V, M382V, M421V.
Identifiers: ClinVar variation 1350807 (VCV001350807.10), dbSNP rs376921992, ClinGen allele CA4718464.

ClinVar aggregate classification (germline): Uncertain significance. Review status: criteria provided, multiple submitters, no conflicts (2 of 4 stars). 3 submissions from 3 submitters: Uncertain significance (3). Last evaluated 2023-01-23.

Conditions:
Hypogonadotropic hypogonadism 2 with or without anosmia (HH2). Also called: FGFR1-Related GnRH Deficiency (Kallmann Syndrome 2); HYPOGONADOTROPIC HYPOGONADISM 2 WITHOUT ANOSMIA; HYPOGONADOTROPIC HYPOGONADISM 2 WITH OR WITHOUT ANOSMIA, SUSCEPTIBILITY TO; HYPOGONADOTROPIC HYPOGONADISM 2 WITHOUT ANOSMIA, SUSCEPTIBILITY TO. Identifiers: Orphanet 478, MedGen C1563720, MONDO:0007844, OMIM 147950. Disease mechanism: loss of function.
Pfeiffer syndrome (ACS5). Also called: ACS V. Identifiers: Orphanet 710, MedGen C0220658, MONDO:0007043, OMIM 101600.
FGFR1-related disorder. Also called: FGFR1-related disorders; FGFR1-related condition. Identifiers: MedGen CN380097.

Allele frequency attached by ClinVar (database versions not stated): gnomAD exomes below 0.00001; TOPMed below 0.00001; ExAC 0.00001; ESP Exome Variant Server 0.00008.

Submissions (3):

PreventionGenetics, part of Exact Sciences
Classification: Uncertain significance for FGFR1-related condition. Last evaluated: 2023-01-23. Review status: criteria provided, single submitter. Criteria: ACMG Guidelines, 2015. Collection method: clinical testing. Allele origin: germline.
Comment: The FGFR1 c.1168A>G variant is predicted to result in the amino acid substitution p.Met390Val. To our knowledge, this variant has not been reported in the literature. This variant is reported in 0.00088% of alleles in individuals of European (Non-Finnish) descent in gnomAD. At this time, the clinical significance of this variant is uncertain due to the absence of conclusive functional and genetic evidence.

Greenwood Genetic Center Diagnostic Laboratories, Greenwood Genetic Center
Classification: Uncertain significance. Last evaluated: 2022-11-18. Review status: criteria provided, single submitter. Criteria: ACMG Guidelines, 2015. Collection method: clinical testing. Allele origin: germline. Affected: yes.
Comment: PM2

Labcorp Genetics (formerly Invitae), Labcorp
Classification: Uncertain significance for Pfeiffer syndrome; Hypogonadotropic hypogonadism 2 with or without anosmia. Last evaluated: 2021-08-29. Review status: criteria provided, single submitter. Criteria: Invitae Variant Classification Sherloc (09022015). Collection method: clinical testing. Allele origin: germline.
Comment: This sequence change replaces methionine with valine at codon 390 of the FGFR1 protein (p.Met390Val). The methionine residue is highly conserved and there is a small physicochemical difference between methionine and valine. This variant is present in population databases (rs376921992, ExAC 0.001%). This variant has not been reported in the literature in individuals affected with FGFR1-related conditions. Algorithms developed to predict the effect of missense changes on protein structure and function are either unavailable or do not agree on the potential impact of this missense change (SIFT: "Deleterious"; PolyPhen-2: "Benign"; Align-GVGD: "Class C0"). In summary, the available evidence is currently insufficient to determine the role of this variant in disease. Therefore, it has been classified as a Variant of Uncertain Significance.